The following is an entry in ClinVar:

NM_006939.4(SOS2):c.3952C>T (p.Pro1318Ser)

Gene: SOS2 (SOS Ras/Rho guanine nucleotide exchange factor 2; minus strand). Cytogenetic location: 14q21.3.
Variant type: single nucleotide variant.
Coding change: c.3952C>T on transcript NM_006939.4 (MANE Select); coding-DNA position 3952, C replaced by T.
Protein change: p.Pro1318Ser; replaces proline 1318 with serine.
Molecular consequence: missense variant.
Genome position (GRCh38, 1-based): chr14:50,118,391, G>A on the plus strand (C>T on the coding strand, the complement: SOS2 is on the minus strand). VCF-style: chr14-50118391-G-A. GRCh37 (hg19) VCF-style: chr14-50585109-G-A.
Other names: p.Pro1318Ser; short protein forms P1318S.
Identifiers: ClinVar variation 475758 (VCV000475758.46), dbSNP rs140995728, ClinGen allele CA7176682.

ClinVar aggregate classification (germline): Benign/Likely benign. Review status: criteria provided, multiple submitters, no conflicts (2 of 4 stars). 9 submissions from 9 submitters: Benign (6); Likely benign (2). 1 of the submissions does not count toward it. Last evaluated 2026-01-01.

Conditions:
Cardiovascular phenotype. Identifiers: MedGen CN230736.
SOS2-related disorder. Also called: SOS2-related condition.
Noonan syndrome 9 (NS9). Identifiers: Orphanet 648, MedGen C4225282, MONDO:0014691, OMIM 616559.

Allele frequency attached by ClinVar (database versions not stated): gnomAD 0.00029; TOPMed 0.00053; 1000 Genomes Project 30x 0.00078; 1000 Genomes Project 0.00080; ESP Exome Variant Server 0.00100.
gnomAD v4.1: 1,235 of 1,614,102 alleles (0.077%); highest among the groups gnomAD compares: Non-Finnish European, 0.098%; 1 homozygote.

Submissions (9):

CeGaT Center for Human Genetics Tuebingen
Classification: Benign. Last evaluated: 2026-01-01. Review status: criteria provided, single submitter. Criteria: CeGaT Center For Human Genetics Tuebingen Variant Classification Criteria Version 2. Collection method: clinical testing. Allele origin: germline. Affected: yes. Observed: 2 variant alleles.
Comment: SOS2: BP4, BS1, BS2

Labcorp Genetics (formerly Invitae), Labcorp
Classification: Likely benign for Noonan syndrome 9. Last evaluated: 2025-12-26. Review status: criteria provided, single submitter. Criteria: Invitae Variant Classification Sherloc (09022015). Collection method: clinical testing. Allele origin: germline.

Mayo Clinic Laboratories, Mayo Clinic
Classification: Benign. Last evaluated: 2025-03-25. Review status: criteria provided, single submitter. Criteria: ACMG Guidelines, 2015. Collection method: clinical testing. Allele origin: germline. Observed: 2 variant alleles.
Comment: BA1

Blueprint Genetics
Classification: Likely benign. Last evaluated: 2024-11-21. Review status: criteria provided, single submitter. Criteria: ACMG Guidelines, 2015. Collection method: clinical testing. Allele origin: germline.

Women's Health and Genetics/Laboratory Corporation of America, LabCorp
Classification: Benign. Last evaluated: 2023-05-15. Review status: criteria provided, single submitter. Criteria: LabCorp Variant Classification Summary - May 2015. Collection method: clinical testing. Allele origin: germline.
Comment: Variant summary: SOS2 c.3952C>T (p.Pro1318Ser) results in a non-conservative amino acid change in the encoded protein sequence. Three of five in-silico tools predict a damaging effect of the variant on protein function. The variant allele was found at a frequency of 0.0005 in 251440 control chromosomes, predominantly at a frequency of 0.00095 within the Non-Finnish European subpopulation in the gnomAD database. The observed variant frequency within Non-Finnish European control individuals in the gnomAD database is approximately 380 fold of the estimated maximal expected allele frequency for a pathogenic variant in SOS2 causing Noonan Syndrome And Related Conditions phenotype (2.5e-06), strongly suggesting that the variant is a benign polymorphism found primarily in populations of Non-Finnish European origin. c.3952C>T has been reported in the literature in an individual affected with Noonan Syndrome and Related Conditions, without strong evidence for causality (Cordeddu_2015). This report does not provide unequivocal conclusions about association of the variant with Noonan Syndrome and Related Conditions. To our knowledge, no experimental evidence demonstrating an impact on protein function has been reported. The following publication has been ascertained in the context of this evaluation (PMID: 26173643). Three clinical diagnostic laboratories have submitted clinical-significance assessments for this variant to ClinVar after 2014 and all laboratories classified the variant as benign/likely benign. Based on the evidence outlined above, the variant was classified as benign.

GeneDx
Classification: Benign. Last evaluated: 2020-12-15. Review status: criteria provided, single submitter. Criteria: GeneDx Variant Classification Process June 2021. Collection method: clinical testing. Allele origin: germline. Affected: yes.

Ambry Genetics
Classification: Benign for Cardiovascular phenotype. Last evaluated: 2019-01-09. Review status: criteria provided, single submitter. Criteria: Ambry Variant Classification Scheme 2023. Collection method: clinical testing. Allele origin: germline.

Genome-Nilou Lab
Classification: Benign for Noonan syndrome 9. Review status: criteria provided, single submitter. Criteria: ACMG Guidelines, 2015. Collection method: clinical testing. Allele origin: germline.

PreventionGenetics, part of Exact Sciences
Classification: Benign for SOS2-related condition. Last evaluated: 2020-09-30. Review status: no assertion criteria provided. Collection method: clinical testing. Allele origin: germline. Not counted in ClinVar's aggregate classification.
Comment: This variant is classified as benign based on ACMG/AMP sequence variant interpretation guidelines (Richards et al. 2015 PMID: 25741868, with internal and published modifications).

Literature cited by the submitters: PubMed 26173643 (cited by Mayo Clinic Laboratories, Mayo Clinic and Women's Health and Genetics/Laboratory Corporation of America, LabCorp).